The following is an entry in ClinVar:

ClinVar aggregate classification (germline): Uncertain significance (0 of 4 stars; one submission).

Submission:

Genetic Services Laboratory, University of Chicago
Classification: Uncertain significance. Last evaluated: 2022-09-08. Review status: no assertion criteria provided. Collection method: clinical testing. Allele origin: germline. Affected: no.
Comment: This sequence change is a single base pair duplication in exon 3, c.2290dup. This sequence change results in an amino acid frameshift and creates a premature stop codon four amino acids downstream of the change, p.Gln764Profs*5. This sequence change is predicted to result in an abnormal transcript, which may be degraded, or may lead to the production of a truncated TET2 protein with potentially abnormal function. This duplication has not previously been described in the literature in association with TET2 related disorders. The majority of truncating variants that have been described to be pathogenic in TET2 have primarily been located in the last exon and at the 3’ end of the gene (PMID: 29316957, PMID: 30890702, PMID: 32518946). The truncating variant identified in this individual occurs closer to the 5’ end of the gene, in exon 3 (out of 11 exons). This sequence change has also been reported as a somatic variant in the COSMIC database. This sequence change has been described in the gnomAD database in one individual which corresponds to a global population frequency of 0.0004% (dbSNP rs780857558). Given these collective evidences, the significance of the above variant in this gene cannot clearly be determined.

NM_001127208.3(TET2):c.2290dup (p.Gln764fs)

Genes: TET2-AS1 (TET2 antisense RNA 1; minus strand), TET2 (tet methylcytosine dioxygenase 2; plus strand). Cytogenetic location: 4q24.
Variant type: Duplication.
Coding change: c.2290dup on transcript NM_001127208.3 (MANE Select); coding-DNA position 2290, one base duplicated (C; older notation c.2290dupC).
Protein change: p.Gln764fs; shifts the reading frame from glutamine 764.
Molecular consequence: frameshift variant.
Genome position (GRCh38, 1-based): chr4:105,236,232, C duplicated; the last of 5 consecutive C bases (chr4:105,236,228-105,236,232); duplicating any one gives the same sequence. VCF-style (leftmost placement, unchanged base first): chr4-105236227-A-AC. GRCh37 (hg19) VCF-style: chr4-106157384-A-AC.
Other names: c.2290dup, p.Gln764fs (NM_017628.4); short protein forms Q764fs.
Identifiers: ClinVar variation 2443281 (VCV002443281.2), dbSNP rs780857558, ClinGen allele CA3031851.